The following is an entry in ClinVar:

ClinVar aggregate classification (germline): Uncertain significance. Review status: criteria provided, multiple submitters, no conflicts (2 of 4 stars). 2 submissions from 2 submitters: Uncertain significance (2). Last evaluated 2025-12-29.

Conditions:
Oligodontia-cancer predisposition syndrome. Also called: TOOTH AGENESIS-COLORECTAL CANCER SYNDROME. Identifiers: Orphanet 300576, MedGen C1837750, MONDO:0012075, OMIM 608615. Disease mechanism: loss of function.

Submissions (2):

Center for Genomic Medicine, Rigshospitalet, Copenhagen University Hospital
Classification: Uncertain significance. Last evaluated: 2025-12-29. Review status: criteria provided, single submitter. Criteria: ACMG Guidelines, 2015. Collection method: clinical testing. Allele origin: germline.

Labcorp Genetics (formerly Invitae), Labcorp
Classification: Uncertain significance for Oligodontia-cancer predisposition syndrome. Last evaluated: 2020-02-10. Review status: criteria provided, single submitter. Criteria: Invitae Variant Classification Sherloc (09022015). Collection method: clinical testing. Allele origin: germline.
Comment: In summary, the available evidence is currently insufficient to determine the role of this variant in disease. Therefore, it has been classified as a Variant of Uncertain Significance. Algorithms developed to predict the effect of missense changes on protein structure and function output the following: SIFT: "Deleterious"; PolyPhen-2: "Benign"; Align-GVGD: "Class C15". The leucine amino acid residue is found in multiple mammalian species, suggesting that this missense change does not adversely affect protein function. These predictions have not been confirmed by published functional studies and their clinical significance is uncertain. This variant has not been reported in the literature in individuals with AXIN2-related conditions. This variant is not present in population databases (ExAC no frequency). This sequence change replaces histidine with leucine at codon 83 of the AXIN2 protein (p.His83Leu). The histidine residue is highly conserved and there is a moderate physicochemical difference between histidine and leucine.

NM_004655.4(AXIN2):c.248A>T (p.His83Leu)

Gene: AXIN2 (axin 2; minus strand). Cytogenetic location: 17q24.1.
Variant type: single nucleotide variant.
Coding change: c.248A>T on transcript NM_004655.4 (MANE Select); coding-DNA position 248, A replaced by T.
Protein change: p.His83Leu; replaces histidine 83 with leucine.
Molecular consequence: missense variant.
Genome position (GRCh38, 1-based): chr17:65,558,373, T>A on the plus strand (A>T on the coding strand, the complement: AXIN2 is on the minus strand). VCF-style: chr17-65558373-T-A. GRCh37 (hg19) VCF-style: chr17-63554491-T-A.
Other names: c.248A>T, p.His83Leu (NM_001363813.1); short protein forms H83L.
Identifiers: ClinVar variation 1009853 (VCV001009853.10), dbSNP rs2044306177, ClinGen allele CA400681816.